The following is an entry in ClinVar:

NM_001458.5(FLNC):c.592_593del (p.Cys198fs)

Gene: FLNC (filamin C; plus strand). Cytogenetic location: 7q32.1.
Variant type: Deletion.
Coding change: c.592_593del on transcript NM_001458.5 (MANE Select); coding-DNA positions 592 to 593, 2 bases deleted (TG; older notation c.592_593delTG).
Protein change: p.Cys198fs; shifts the reading frame from cysteine 198.
Molecular consequence: frameshift variant.
Genome position (GRCh38, 1-based): chr7:128,835,565-128,835,566, TG deleted. VCF-style (leftmost placement, unchanged base first): chr7-128835564-CTG-C. GRCh37 (hg19) VCF-style: chr7-128475618-CTG-C.
Other names: c.592_593del, p.Cys198fs (NM_001127487.2); short protein forms C198fs.
Identifiers: ClinVar variation 1458720 (VCV001458720.6), dbSNP rs2128933700, ClinGen allele CA2573141749.

ClinVar aggregate classification (germline): Pathogenic (1 of 4 stars; one submission).

Conditions:
Distal myopathy with posterior leg and anterior hand involvement. Also called: WILLIAMS DISTAL MYOPATHY. Identifiers: Orphanet 63273, MedGen C3279722, MONDO:0013550, OMIM 614065.
Hypertrophic cardiomyopathy 26. Also called: Cardiomyopathy, familial hypertrophic, 26. Identifiers: Orphanet 75249, MedGen C4310749, MONDO:0014883, OMIM 617047.
Myofibrillar myopathy 5. Also called: FILAMINOPATHY, AUTOSOMAL DOMINANT; Filaminopathy (type). Identifiers: Orphanet 171445, MedGen C1836050, MONDO:0012289, OMIM 609524.

Submission:

Labcorp Genetics (formerly Invitae), Labcorp
Classification: Pathogenic for Distal myopathy with posterior leg and anterior hand involvement; Myofibrillar myopathy 5; Hypertrophic cardiomyopathy 26. Last evaluated: 2023-10-03. Review status: criteria provided, single submitter. Criteria: Invitae Variant Classification Sherloc (09022015). Collection method: clinical testing. Allele origin: germline.
Comment: This sequence change creates a premature translational stop signal (p.Cys198Argfs*40) in the FLNC gene. It is expected to result in an absent or disrupted protein product. Loss-of-function variants in FLNC are known to be pathogenic (PMID: 27908349). This variant is not present in population databases (gnomAD no frequency). This variant has not been reported in the literature in individuals affected with FLNC-related conditions. ClinVar contains an entry for this variant (Variation ID: 1458720). For these reasons, this variant has been classified as Pathogenic.

Literature cited by the submitters: PubMed 27908349.